The following is an entry in ClinVar:

ClinVar aggregate classification (germline): Uncertain significance (1 of 4 stars; one submission).

Submission:

Labcorp Genetics (formerly Invitae), Labcorp
Classification: Uncertain significance. Last evaluated: 2023-10-03. Review status: criteria provided, single submitter. Criteria: Invitae Variant Classification Sherloc (09022015). Collection method: clinical testing. Allele origin: germline.
Comment: This sequence change replaces glycine, which is neutral and non-polar, with glutamic acid, which is acidic and polar, at codon 1074 of the FUK protein (p.Gly1074Glu). This variant is not present in population databases (gnomAD no frequency). This variant has not been reported in the literature in individuals affected with FUK-related conditions. Algorithms developed to predict the effect of missense changes on protein structure and function output the following: SIFT: "Not Available"; PolyPhen-2: "Benign"; Align-GVGD: "Not Available". The glutamic acid amino acid residue is found in multiple mammalian species, which suggests that this missense change does not adversely affect protein function. In summary, the available evidence is currently insufficient to determine the role of this variant in disease. Therefore, it has been classified as a Variant of Uncertain Significance.

NM_145059.3(FCSK):c.3221G>A (p.Gly1074Glu)

Gene: FCSK (fucose kinase; plus strand). Cytogenetic location: 16q22.1.
Variant type: single nucleotide variant.
Coding change: c.3221G>A on transcript NM_145059.3 (MANE Select); coding-DNA position 3221, G replaced by A.
Protein change: p.Gly1074Glu; replaces glycine 1074 with glutamic acid.
Molecular consequence: missense variant.
Genome position (GRCh38, 1-based): chr16:70,479,646, G>A. VCF-style: chr16-70479646-G-A. GRCh37 (hg19) VCF-style: chr16-70513549-G-A.
Other names: short protein forms G1074E.
Identifiers: ClinVar variation 2864592 (VCV002864592.3), dbSNP rs2048937373, ClinGen allele CA396576560.